The following is an entry in ClinVar:

ClinVar aggregate classification (germline): Uncertain significance (1 of 4 stars; one submission).

gnomAD v4.1: 3 of 1,211,412 alleles (0.00025%); highest among the groups gnomAD compares: Admixed American, 0.0043%; no homozygotes.

Submission:

Labcorp Genetics (formerly Invitae), Labcorp
Classification: Uncertain significance. Last evaluated: 2025-04-27. Review status: criteria provided, single submitter. Criteria: Invitae Variant Classification Sherloc (09022015). Collection method: clinical testing. Allele origin: germline.
Comment: This sequence change replaces arginine, which is basic and polar, with cysteine, which is neutral and slightly polar, at codon 517 of the ALAS2 protein (p.Arg517Cys). This variant is not present in population databases (gnomAD no frequency). This missense change has been observed in individual(s) with clinical features of ALAS2-related conditions (PMID: 20848343). Invitae Evidence Modeling of protein sequence and biophysical properties (such as structural, functional, and spatial information, amino acid conservation, physicochemical variation, residue mobility, and thermodynamic stability) indicates that this missense variant is expected to disrupt ALAS2 protein function with a positive predictive value of 95%. In summary, the available evidence is currently insufficient to determine the role of this variant in disease. Therefore, it has been classified as a Variant of Uncertain Significance.

Literature cited by the submitters: PubMed 20848343.

NM_000032.5(ALAS2):c.1549C>T (p.Arg517Cys)

Gene: ALAS2 (5'-aminolevulinate synthase 2; minus strand). Cytogenetic location: Xp11.21.
Variant type: single nucleotide variant.
Coding change: c.1549C>T on transcript NM_000032.5 (MANE Select); coding-DNA position 1549, C replaced by T.
Protein change: p.Arg517Cys; replaces arginine 517 with cysteine.
Molecular consequence: missense variant.
Genome position (GRCh38, 1-based): chrX:55,013,537, G>A on the plus strand (C>T on the coding strand, the complement: ALAS2 is on the minus strand). VCF-style: chrX-55013537-G-A. GRCh37 (hg19) VCF-style: chrX-55039970-G-A.
Other names: c.1438C>T, p.Arg480Cys (NM_001037967.4); c.1510C>T, p.Arg504Cys (NM_001037968.4); short protein forms R504C, R480C, R517C.
Identifiers: ClinVar variation 4710773 (VCV004710773.1).